The following is an entry in ClinVar:

NM_001244008.2(KIF1A):c.2444+3G>A

Gene: KIF1A (kinesin family member 1A; minus strand). Cytogenetic location: 2q37.3.
Variant type: single nucleotide variant.
Coding change: c.2444+3G>A on transcript NM_001244008.2 (MANE Select); 3 bases into the intron after coding-DNA position 2444, G replaced by A.
Molecular consequence: intron variant.
Genome position (GRCh38, 1-based): chr2:240,760,662, C>T on the plus strand (G>A on the coding strand, the complement: KIF1A is on the minus strand). VCF-style: chr2-240760662-C-T. GRCh37 (hg19) VCF-style: chr2-241700079-C-T.
Other names: c.2417+3G>A (NM_001379653.1, NM_001379650.1, NM_001379645.1 and 10 more transcripts); c.2519+3G>A (NM_001379635.1, NM_001330290.2, NM_001379646.1 and 2 more transcripts); c.2492+3G>A (NM_001379637.1, NM_001379648.1); c.2444+3G>A (NM_001320705.2, NM_001379638.1, NM_001330289.2).
Identifiers: ClinVar variation 1430333 (VCV001430333.6), dbSNP rs779065199, ClinGen allele CA2208105.

ClinVar aggregate classification (germline): Uncertain significance (1 of 4 stars; one submission).

Conditions:
Hereditary spastic paraplegia 30. Identifiers: Orphanet 101010, MedGen C5235139, MONDO:0012476.
Neuropathy, hereditary sensory, type 2C. Also called: Hereditary sensory and autonomic neuropathy type IIC; KIF1A-Related HSAN2 (HSAN2C). Identifiers: Orphanet 970, MedGen C3280168, MONDO:0013634, OMIM 614213.
Intellectual disability, autosomal dominant 9 (NESCAVS). Also called: NESCAV SYNDROME; KIF1A-Related Neurodevelopmental Disorder. Identifiers: Orphanet 662367, MedGen C5393830, MONDO:0013656, OMIM 614255.

Allele frequency attached by ClinVar (database versions not stated): gnomAD 0.00001 and 0.00002; gnomAD exomes 0.00001 and 0.00003; TOPMed 0.00003; ExAC 0.00008.
gnomAD v4.1: 11 of 1,502,464 alleles (0.00073%); highest among the groups gnomAD compares: Admixed American, 0.0022%; no homozygotes.

Submission:

Labcorp Genetics (formerly Invitae), Labcorp
Classification: Uncertain significance for Hereditary spastic paraplegia 30; Neuropathy, hereditary sensory, type 2C; Intellectual disability, autosomal dominant 9. Last evaluated: 2023-02-14. Review status: criteria provided, single submitter. Criteria: Invitae Variant Classification Sherloc (09022015). Collection method: clinical testing. Allele origin: germline.
Comment: This sequence change falls in intron 23 of the KIF1A gene. It does not directly change the encoded amino acid sequence of the KIF1A protein. It affects a nucleotide within the consensus splice site. The frequency data for this variant in the population databases is considered unreliable, as metrics indicate poor data quality at this position in the gnomAD database. This variant has not been reported in the literature in individuals affected with KIF1A-related conditions. ClinVar contains an entry for this variant (Variation ID: 1430333). Variants that disrupt the consensus splice site are a relatively common cause of aberrant splicing (PMID: 17576681, 9536098). Algorithms developed to predict the effect of sequence changes on RNA splicing suggest that this variant is not likely to affect RNA splicing. In summary, the available evidence is currently insufficient to determine the role of this variant in disease. Therefore, it has been classified as a Variant of Uncertain Significance.

Literature cited by the submitters: PubMed 17576681; PubMed 9536098.